The following is an entry in ClinVar:

NM_152564.5(VPS13B):c.937+6G>A

Gene: VPS13B (vacuolar protein sorting 13 homolog B; plus strand). Cytogenetic location: 8q22.2.
Variant type: single nucleotide variant.
Coding change: c.937+6G>A on transcript NM_152564.5 (MANE Select); 6 bases into the intron after coding-DNA position 937, G replaced by A.
Molecular consequence: intron variant.
Genome position (GRCh38, 1-based): chr8:99,115,880, G>A. VCF-style: chr8-99115880-G-A. GRCh37 (hg19) VCF-style: chr8-100128108-G-A.
Other names: c.937+6G>A (NM_017890.5, NM_015243.3, NM_181661.3).
Identifiers: ClinVar variation 1401639 (VCV001401639.6), dbSNP rs2132498266, ClinGen allele CA2573143553.

ClinVar aggregate classification (germline): Uncertain significance (1 of 4 stars; one submission).

Conditions:
Cohen syndrome (COH1). Also called: PEPPER SYNDROME; Cutis verticis gyrata, retinitis pigmentosa, and sensorineural deafness. Identifiers: Orphanet 193, MedGen C0265223, MONDO:0008999, OMIM 216550.

Allele frequency attached by ClinVar (database versions not stated): gnomAD exomes below 0.00001.
gnomAD v4.1: 1 of 1,610,550 alleles (0.000062%); highest among the groups gnomAD compares: African/African-American, 0.0013%; no homozygotes.

Submission:

Labcorp Genetics (formerly Invitae), Labcorp
Classification: Uncertain significance for Cohen syndrome. Last evaluated: 2024-06-23. Review status: criteria provided, single submitter. Criteria: Invitae Variant Classification Sherloc (09022015). Collection method: clinical testing. Allele origin: germline.
Comment: This sequence change falls in intron 7 of the VPS13B gene. It does not directly change the encoded amino acid sequence of the VPS13B protein. It affects a nucleotide within the consensus splice site. This variant is not present in population databases (gnomAD no frequency). This variant has not been reported in the literature in individuals affected with VPS13B-related conditions. ClinVar contains an entry for this variant (Variation ID: 1401639). Variants that disrupt the consensus splice site are a relatively common cause of aberrant splicing (PMID: 17576681, 9536098). Algorithms developed to predict the effect of sequence changes on RNA splicing suggest that this variant is not likely to affect RNA splicing. In summary, the available evidence is currently insufficient to determine the role of this variant in disease. Therefore, it has been classified as a Variant of Uncertain Significance.

Literature cited by the submitters: PubMed 17576681; PubMed 9536098.